The following is an entry in ClinVar:

NM_001367624.2(ZNF469):c.7976G>A (p.Gly2659Glu)

Gene: ZNF469 (zinc finger protein 469; plus strand). Cytogenetic location: 16q24.2.
Variant type: single nucleotide variant.
Coding change: c.7976G>A on transcript NM_001367624.2 (MANE Select); coding-DNA position 7976, G replaced by A.
Protein change: p.Gly2659Glu; replaces glycine 2659 with glutamic acid.
Molecular consequence: missense variant.
Genome position (GRCh38, 1-based): chr16:88,435,446, G>A. VCF-style: chr16-88435446-G-A. GRCh37 (hg19) VCF-style: chr16-88501854-G-A.
Other names: NM_001127464.1:c.7892G>A; short protein forms G2659E.
Identifiers: ClinVar variation 1761053 (VCV001761053.4), dbSNP rs535466615, ClinGen allele CA286383315.

ClinVar aggregate classification (germline): Uncertain significance. Review status: criteria provided, multiple submitters, no conflicts (2 of 4 stars). 2 submissions from 2 submitters: Uncertain significance (2). Last evaluated 2026-03-02.

Conditions:
Cardiovascular phenotype. Identifiers: MedGen CN230736.

Allele frequency attached by ClinVar (database versions not stated): 1000 Genomes Project 30x 0.00016; 1000 Genomes Project 0.00020.
gnomAD v4.1: 9 of 1,550,000 alleles (0.00058%); highest among the groups gnomAD compares: African/African-American, 0.0096%; no homozygotes.

Submissions (2):

Women's Health and Genetics/Laboratory Corporation of America, LabCorp
Classification: Uncertain significance. Last evaluated: 2026-03-02. Review status: criteria provided, single submitter. Criteria: LabCorp Variant Classification Summary - May 2015. Collection method: clinical testing. Allele origin: germline.
Comment: Variant summary: ZNF469 c.7976G>A (p.Gly2659Glu) results in a non-conservative amino acid change in the encoded protein sequence. Algorithms developed to predict the effect of missense changes on protein structure and function are either unavailable or do not agree on the potential impact of this missense change. The variant allele was found at a frequency of 6.5e-06 in 153092 control chromosomes. The available data on variant occurrences in the general population are insufficient to allow any conclusion about variant significance. To our knowledge, no occurrence of c.7976G>A in individuals affected with ZNF469-related conditions and no experimental evidence demonstrating its impact on protein function have been reported. ClinVar contains an entry for this variant (Variation ID: 1761053). Based on the evidence outlined above, the variant was classified as uncertain significance.

Ambry Genetics
Classification: Uncertain significance for Cardiovascular phenotype. Last evaluated: 2024-09-17. Review status: criteria provided, single submitter. Criteria: Ambry Variant Classification Scheme 2023. Collection method: clinical testing. Allele origin: germline.
Comment: The p.G2631E variant (also known as c.7892G>A), located in coding exon 2 of the ZNF469 gene, results from a G to A substitution at nucleotide position 7892. The glycine at codon 2631 is replaced by glutamic acid, an amino acid with similar properties. This amino acid position is conserved. In addition, this alteration is predicted to be tolerated by in silico analysis. Since supporting evidence is limited at this time, the clinical significance of this alteration remains unclear.